The following is an entry in ClinVar:

NM_001360016.2(G6PD):c.[143T>C;202G>A]

Variant type: Haplotype.
Identifiers: ClinVar variation 1722711 (VCV001722711.2).

ClinVar aggregate classification (germline): Likely pathogenic (1 of 4 stars; one submission).

Conditions:
Anemia, nonspherocytic hemolytic, due to G6PD deficiency (CNSHA1). Also called: Hemolytic anemia due to G6PD deficiency; Favism, susceptibility to; Class I glucose-6-phosphate dehydrogenase deficiency; ANEMIA, CONGENITAL, NONSPHEROCYTIC HEMOLYTIC, 1. Identifiers: Orphanet 466026, MedGen C2720289, MONDO:0010480, OMIM 300908.

Submission:

Dunham Lab, University of Washington
Classification: Likely pathogenic for Anemia, nonspherocytic hemolytic, due to G6PD deficiency. Last evaluated: 2022-08-12. Review status: criteria provided, single submitter. Criteria: Bayesian ACMG Guidelines, 2018. Collection method: curation. Allele origin: unknown. Affected: yes.
Comment: Decreased activity in red blood cells of hemizygote (8%) (PS3). 143T>C is below expected carrier frequency in gnomAD (PM2). Post_P 0.949 (odds of pathogenicity 168.4, Prior_P 0.1).

Literature cited by the submitters: PubMed 23006493.